The following is an entry in ClinVar:

ClinVar aggregate classification (germline): Benign/Likely benign. Review status: criteria provided, multiple submitters, no conflicts (2 of 4 stars). 4 submissions from 4 submitters: Benign (1); Likely benign (3). Last evaluated 2025-09-11.

Conditions:
Hereditary cancer-predisposing syndrome. Also called: Hereditary Cancer Syndrome; Neoplastic Syndromes, Hereditary; Tumor predisposition; Hereditary neoplastic syndrome. Identifiers: Orphanet 140162, MedGen C0027672, MeSH D009386, MONDO:0015356.
Hereditary nonpolyposis colorectal neoplasms. Identifiers: MedGen C0009405, MeSH D003123.
Lynch syndrome 5 (LYNCH5). Also called: Hereditary non-polyposis colorectal cancer, type 5; Colorectal cancer, hereditary nonpolyposis, type 5. Identifiers: Orphanet 144, MedGen C1833477, MONDO:0013710, OMIM 614350. Disease mechanism: loss of function.

Submissions (4):

Mayo Clinic Laboratories, Mayo Clinic
Classification: Likely benign. Last evaluated: 2025-09-11. Review status: criteria provided, single submitter. Criteria: ACMG Guidelines, 2015. Collection method: clinical testing. Allele origin: germline. Observed: 1 variant allele.
Comment: BP4, BP7

Ambry Genetics
Classification: Likely benign for Hereditary cancer-predisposing syndrome. Last evaluated: 2025-04-06. Review status: criteria provided, single submitter. Criteria: Ambry Variant Classification Scheme 2023. Collection method: clinical testing. Allele origin: germline.

Labcorp Genetics (formerly Invitae), Labcorp
Classification: Likely benign for Hereditary nonpolyposis colorectal neoplasms. Last evaluated: 2025-03-09. Review status: criteria provided, single submitter. Criteria: Invitae Variant Classification Sherloc (09022015). Collection method: clinical testing. Allele origin: germline.

Myriad Genetics, Inc.
Classification: Benign for Lynch syndrome 5. Last evaluated: 2025-01-03. Review status: criteria provided, single submitter. Criteria: Myriad Autosomal Dominant, Autosomal Recessive and X-Linked Classification Criteria (2023). Collection method: clinical testing. Allele origin: unknown.
Comment: This variant is considered benign. This variant is a silent/synonymous amino acid change and it is not expected to impact splicing.

NM_000179.3(MSH6):c.3162C>A (p.Ile1054=)

Gene: MSH6 (mutS homolog 6; plus strand). Cytogenetic location: 2p16.3.
Variant type: single nucleotide variant.
Coding change: c.3162C>A on transcript NM_000179.3 (MANE Select); coding-DNA position 3162, C replaced by A.
Protein change: p.Ile1054=; no amino-acid change (isoleucine 1054 retained).
Molecular consequence: synonymous variant.
Genome position (GRCh38, 1-based): chr2:47,801,145, C>A. VCF-style: chr2-47801145-C-A. GRCh37 (hg19) VCF-style: chr2-48028284-C-A.
Other names: p.Ile1054=; c.3162C>A (NM_000179.2); c.2772C>A, p.Ile924= (NM_001281492.2); c.2256C>A, p.Ile752= (NM_001281493.2, NM_001281494.2).
Identifiers: ClinVar variation 1638001 (VCV001638001.11), dbSNP rs149605979, ClinGen allele CA426122055.
Genomic context (GRCh38, chr2:47,801,145, plus strand): 5'-GCGACTGTTCTATAACTTTGATAAAAATTACAAGGACTGGCAGTCTGCTGTAGAGTGTAT[C>A]GCAGTGTTGGGTAAGACTTTGAACAAGCTTGTTCTCAGGCTTTGATAAGTAGTGCTGTTT-3'
Protein context (NP_000170.1, residues 1044-1064): YKDWQSAVEC[Ile1054=]AVLDVLLCLA